The following is an entry in ClinVar:

ClinVar aggregate classification (germline): Uncertain significance (1 of 4 stars; one submission).

Conditions:
Hereditary sensory and autonomic neuropathy type 7. Also called: HSAN VII; Neuropathy, hereditary sensory and autonomic, type VII. Identifiers: Orphanet 391397, MedGen C3809882, MONDO:0014244, OMIM 615548.
Familial episodic pain syndrome with predominantly lower limb involvement. Also called: Episodic pain syndrome, familial, 3. Identifiers: Orphanet 391384, Orphanet 391392, MedGen C3809899, MONDO:0014247, OMIM 615552.

Allele frequency attached by ClinVar (database versions not stated): gnomAD 0.00005 and 0.00006; ESP Exome Variant Server 0.00015; TOPMed 0.00008; gnomAD exomes 0.00004.
gnomAD v4.1: 28 of 1,614,050 alleles (0.0017%); highest among the groups gnomAD compares: African/African-American, 0.021%; no homozygotes.

Submission:

Labcorp Genetics (formerly Invitae), Labcorp
Classification: Uncertain significance for Familial episodic pain syndrome with predominantly lower limb involvement; Hereditary sensory and autonomic neuropathy type 7. Last evaluated: 2025-07-06. Review status: criteria provided, single submitter. Criteria: Invitae Variant Classification Sherloc (09022015). Collection method: clinical testing. Allele origin: germline.
Comment: This sequence change replaces arginine, which is basic and polar, with histidine, which is basic and polar, at codon 840 of the SCN11A protein (p.Arg840His). This variant is present in population databases (rs373145656, gnomAD 0.04%). This variant has not been reported in the literature in individuals affected with SCN11A-related conditions. ClinVar contains an entry for this variant (Variation ID: 1015762). An algorithm developed to predict the effect of missense changes on protein structure and function outputs the following: PolyPhen-2: "Benign". The histidine amino acid residue is found in multiple mammalian species, which suggests that this missense change does not adversely affect protein function. In summary, the available evidence is currently insufficient to determine the role of this variant in disease. Therefore, it has been classified as a Variant of Uncertain Significance.

NM_001349253.2(SCN11A):c.2519G>A (p.Arg840His)

Gene: SCN11A (sodium voltage-gated channel alpha subunit 11; minus strand). Cytogenetic location: 3p22.2.
Variant type: single nucleotide variant.
Coding change: c.2519G>A on transcript NM_001349253.2 (MANE Select); coding-DNA position 2519, G replaced by A.
Protein change: p.Arg840His; replaces arginine 840 with histidine.
Molecular consequence: missense variant.
Genome position (GRCh38, 1-based): chr3:38,894,849, C>T on the plus strand (G>A on the coding strand, the complement: SCN11A is on the minus strand). VCF-style: chr3-38894849-C-T. GRCh37 (hg19) VCF-style: chr3-38936340-C-T.
Other names: c.2519G>A, p.Arg840His (NM_014139.3); short protein forms R840H.
Identifiers: ClinVar variation 1015762 (VCV001015762.5), dbSNP rs373145656, ClinGen allele CA2322024.